The following is an entry in ClinVar:

ClinVar aggregate classification (germline): Uncertain significance. Review status: criteria provided, multiple submitters, no conflicts (2 of 4 stars). 2 submissions from 2 submitters: Uncertain significance (2). Last evaluated 2025-11-25.

Conditions:
Inborn genetic diseases. Identifiers: MedGen C0950123, MeSH D030342.

Allele frequency attached by ClinVar (database versions not stated): TOPMed 0.00002; gnomAD exomes below 0.00001; gnomAD 0.00001.
gnomAD v4.1: 2 of 1,614,092 alleles (0.00012%); highest among the groups gnomAD compares: African/African-American, 0.0027%; no homozygotes.

Submissions (2):

Ambry Genetics
Classification: Uncertain significance for Inborn genetic diseases. Last evaluated: 2025-11-25. Review status: criteria provided, single submitter. Criteria: Ambry Variant Classification Scheme 2023. Collection method: clinical testing. Allele origin: germline.
Comment: The c.4502C>A (p.A1501D) alteration is located in exon 5 (coding exon 1) of the HIVEP2 gene. This alteration results from a C to A substitution at nucleotide position 4502, causing the alanine (A) at amino acid position 1501 to be replaced by an aspartic acid (D). Based on data from gnomAD, the A allele has an overall frequency of 0.003% (1/31390) total alleles studied. The highest observed frequency was 0.012% (1/8706) of African alleles. Based on insufficient or conflicting evidence, the clinical significance of this alteration remains unclear.

Women's Health and Genetics/Laboratory Corporation of America, LabCorp
Classification: Uncertain significance. Last evaluated: 2023-11-09. Review status: criteria provided, single submitter. Criteria: LabCorp Variant Classification Summary - May 2015. Collection method: clinical testing. Allele origin: germline.
Comment: Variant summary: HIVEP2 c.4502C>A (p.Ala1501Asp) results in a non-conservative amino acid change in the encoded protein sequence. Three of five in-silico tools predict a damaging effect of the variant on protein function. The variant was absent in 249584 control chromosomes. The available data on variant occurrences in the general population are insufficient to allow any conclusion about variant significance. To our knowledge, no occurrence of c.4502C>A in individuals affected with Intellectual Disability, Autosomal Dominant 43 and no experimental evidence demonstrating its impact on protein function have been reported. No submitters have cited clinical-significance assessments for this variant to ClinVar after 2014. Based on the evidence outlined above, the variant was classified as uncertain significance.

NM_006734.4(HIVEP2):c.4502C>A (p.Ala1501Asp)

Gene: HIVEP2 (HIVEP zinc finger 2; minus strand). Cytogenetic location: 6q24.2.
Variant type: single nucleotide variant.
Coding change: c.4502C>A on transcript NM_006734.4 (MANE Select); coding-DNA position 4502, C replaced by A.
Protein change: p.Ala1501Asp; replaces alanine 1501 with aspartic acid.
Molecular consequence: missense variant.
Genome position (GRCh38, 1-based): chr6:142,770,237, G>T on the plus strand (C>A on the coding strand, the complement: HIVEP2 is on the minus strand). VCF-style: chr6-142770237-G-T. GRCh37 (hg19) VCF-style: chr6-143091374-G-T.
Other names: c.4502C>A (NM_006734.3); short protein forms A1501D.
Identifiers: ClinVar variation 2682428 (VCV002682428.2), dbSNP rs893430078, ClinGen allele CA149014831.